The following is an entry in ClinVar:

NM_173628.4(DNAH17):c.414C>G (p.Ile138Met)

Gene: DNAH17 (dynein axonemal heavy chain 17; minus strand). Cytogenetic location: 17q25.3.
Variant type: single nucleotide variant.
Coding change: c.414C>G on transcript NM_173628.4 (MANE Select); coding-DNA position 414, C replaced by G.
Protein change: p.Ile138Met; replaces isoleucine 138 with methionine.
Molecular consequence: missense variant.
Genome position (GRCh38, 1-based): chr17:78,572,826, G>C on the plus strand (C>G on the coding strand, the complement: DNAH17 is on the minus strand). VCF-style: chr17-78572826-G-C. GRCh37 (hg19) VCF-style: chr17-76568908-G-C.
Other names: short protein forms I138M.
Identifiers: ClinVar variation 3055636 (VCV003055636.3), dbSNP rs189292979, ClinGen allele CA8805648.

ClinVar aggregate classification (germline): Uncertain significance. Review status: criteria provided, single submitter (1 of 4 stars). 2 submissions from 2 submitters: Uncertain significance (1). 1 of the submissions does not count toward it. Last evaluated 2025-08-04.

Conditions:
Inborn genetic diseases. Identifiers: MedGen C0950123, MeSH D030342.
DNAH17-related disorder. Also called: DNAH17-related condition.

Allele frequency attached by ClinVar (database versions not stated): 1000 Genomes Project 0.00339; ESP Exome Variant Server 0.00384; 1000 Genomes Project 30x 0.00437.
gnomAD v4.1: 821 of 1,613,924 alleles (0.051%); highest among the groups gnomAD compares: African/African-American, 1%; 2 homozygotes.

Submissions (2):

Ambry Genetics
Classification: Uncertain significance for Inborn genetic diseases. Last evaluated: 2025-08-04. Review status: criteria provided, single submitter. Criteria: Ambry Variant Classification Scheme 2023. Collection method: clinical testing. Allele origin: germline.

PreventionGenetics, part of Exact Sciences
Classification: Benign for DNAH17-related condition. Last evaluated: 2019-03-25. Review status: no assertion criteria provided. Collection method: clinical testing. Allele origin: germline. Not counted in ClinVar's aggregate classification.
Comment: This variant is classified as benign based on ACMG/AMP sequence variant interpretation guidelines (Richards et al. 2015 PMID: 25741868, with internal and published modifications).